The following is an entry in ClinVar:

NM_000543.5(SMPD1):c.973_974insTGT (p.Pro325delinsLeuSer)

Gene: SMPD1 (sphingomyelin phosphodiesterase 1; plus strand). Cytogenetic location: 11p15.4.
Variant type: Insertion.
Coding change: c.973_974insTGT on transcript NM_000543.5 (MANE Select); coding-DNA positions 973 to 974, TGT inserted.
Protein change: p.Pro325delinsLeuSer.
Molecular consequence: inframe indel. On other transcripts: inframe insertion (1), non-coding transcript variant (1).
Genome position: GRCh38 VCF-style: chr11-6392038-C-CTGT. GRCh37 (hg19) VCF-style: chr11-6413268-C-CTGT.
Other names: c.970_971insTGT, p.Pro324delinsLeuSer (NM_001007593.3); c.973_974insTGT, p.Pro325delinsLeuSer (NM_001318087.2, NM_001365135.2); c.12_13insTGT, p.His4_Leu5insCys (NM_001318088.2).
Identifiers: ClinVar variation 93322 (VCV000093322.13), dbSNP rs398123480, ClinGen allele CA221156.

ClinVar aggregate classification (germline): Uncertain significance. Review status: criteria provided, multiple submitters, no conflicts (2 of 4 stars). 2 submissions from 2 submitters: Uncertain significance (2). Last evaluated 2020-03-03.

Conditions:
Niemann-Pick disease, type A. Also called: SPHINGOMYELIN LIPIDOSIS; SPHINGOMYELINASE DEFICIENCY; Infantile Neurovisceral ASMD (Niemann-Pick Disease Type A; NPD-A). Identifiers: Orphanet 77292, MedGen C0268242, MONDO:0009756, OMIM 257200. Disease mechanism: loss of function.
Niemann-Pick disease, type B. Also called: Chronic Visceral ASMD (Niemann-Pick Disease Type B; NPD-B). Identifiers: Orphanet 77293, MedGen C0268243, MONDO:0011871, OMIM 607616. Disease mechanism: loss of function.

Submissions (2):

Labcorp Genetics (formerly Invitae), Labcorp
Classification: Uncertain significance for Niemann-Pick disease, type B; Niemann-Pick disease, type A. Last evaluated: 2020-03-03. Review status: criteria provided, single submitter. Criteria: Invitae Variant Classification Sherloc (09022015). Collection method: clinical testing. Allele origin: germline.
Comment: This variant, c.973_974insTGT, results in the insertion of 2 amino acids to the SMPD1 protein (p.Pro325delinsLeuSer), but otherwise preserves the integrity of the reading frame. This variant is not present in population databases (ExAC no frequency). This variant has not been reported in the literature in individuals with SMPD1-related conditions. ClinVar contains an entry for this variant (Variation ID: 93322). Experimental studies and prediction algorithms are not available or were not evaluated for this variant, and the functional significance of the affected amino acid(s) is currently unknown. In summary, the available evidence is currently insufficient to determine the role of this variant in disease. Therefore, it has been classified as a Variant of Uncertain Significance.

Eurofins Ntd Llc (ga)
Classification: Uncertain significance. Last evaluated: 2012-12-18. Review status: criteria provided, single submitter. Criteria: EGL Classification Definitions 2015. Collection method: clinical testing. Allele origin: germline. Observed: 1 variant allele, 1 heterozygote.